The following is an entry in ClinVar:

NM_014845.6(FIG4):c.829A>T (p.Ser277Cys)

Gene: FIG4 (FIG4 phosphoinositide 5-phosphatase; plus strand). Cytogenetic location: 6q21.
Variant type: single nucleotide variant.
Coding change: c.829A>T on transcript NM_014845.6 (MANE Select); coding-DNA position 829, A replaced by T.
Protein change: p.Ser277Cys; replaces serine 277 with cysteine.
Molecular consequence: missense variant.
Genome position (GRCh38, 1-based): chr6:109,741,497, A>T. VCF-style: chr6-109741497-A-T. GRCh37 (hg19) VCF-style: chr6-110062700-A-T.
Other names: short protein forms S277C.
Identifiers: ClinVar variation 1507439 (VCV001507439.3), dbSNP rs892208077, ClinGen allele CA145136132.

ClinVar aggregate classification (germline): Uncertain significance (1 of 4 stars; one submission).

Conditions:
Charcot-Marie-Tooth disease type 4. Also called: Charcot-Marie-Tooth disease, type IV; Charcot-Marie-Tooth, Type 4. Identifiers: Orphanet 64749, MedGen C4082197, MONDO:0018995.

Allele frequency attached by ClinVar (database versions not stated): gnomAD exomes below 0.00001; TOPMed 0.00002; gnomAD 0.00005.
gnomAD v4.1: 10 of 1,613,362 alleles (0.00062%); highest among the groups gnomAD compares: African/African-American, 0.013%; no homozygotes.

Submission:

Labcorp Genetics (formerly Invitae), Labcorp
Classification: Uncertain significance for Charcot-Marie-Tooth disease type 4. Last evaluated: 2022-07-05. Review status: criteria provided, single submitter. Criteria: Invitae Variant Classification Sherloc (09022015). Collection method: clinical testing. Allele origin: germline.
Comment: This sequence change replaces serine, which is neutral and polar, with cysteine, which is neutral and slightly polar, at codon 277 of the FIG4 protein (p.Ser277Cys). This variant is present in population databases (no rsID available, gnomAD 0.007%). This variant has not been reported in the literature in individuals affected with FIG4-related conditions. ClinVar contains an entry for this variant (Variation ID: 1507439). Algorithms developed to predict the effect of missense changes on protein structure and function are either unavailable or do not agree on the potential impact of this missense change (SIFT: "Deleterious"; PolyPhen-2: "Benign"; Align-GVGD: "Class C0"). In summary, the available evidence is currently insufficient to determine the role of this variant in disease. Therefore, it has been classified as a Variant of Uncertain Significance.